The following is an entry in ClinVar:

ClinVar aggregate classification (germline): Conflicting classifications of pathogenicity. Review status: criteria provided, conflicting classifications (1 of 4 stars). 7 submissions from 7 submitters: Uncertain significance (5); Likely benign (2). Last evaluated 2026-02-27.

Conditions:
Cardiovascular phenotype. Identifiers: MedGen CN230736.
Catecholaminergic polymorphic ventricular tachycardia 1. Also called: VENTRICULAR TACHYCARDIA, STRESS-INDUCED POLYMORPHIC 1; RYR2-Related Catecholaminergic Polymorphic Ventricular Tachycardia; VENTRICULAR TACHYCARDIA, CATECHOLAMINERGIC POLYMORPHIC, 1, WITH OR WITHOUT ATRIAL DYSFUNCTION AND/OR DILATED CARDIOMYOPATHY. Identifiers: Orphanet 3286, MedGen C1631597, MONDO:0011484, OMIM 604772.
Arrhythmogenic right ventricular dysplasia 2. Identifiers: MedGen C1832931.
Cardiomyopathy (CMYO). Also called: Cardiomyopathies. Identifiers: Orphanet 167848, MedGen C0878544, MONDO:0004994, HP:0001638. Inheritance: Various modes of inheritance.
Catecholaminergic polymorphic ventricular tachycardia (CVPT). Also called: Catecholamine-induced polymorphic ventricular tachycardia. Identifiers: Orphanet 3286, MedGen C5574922, MONDO:0017990.

Allele frequency attached by ClinVar (database versions not stated): gnomAD exomes below 0.00001; gnomAD 0.00003; TOPMed 0.00005.
gnomAD v4.1: 7 of 1,613,788 alleles (0.00043%); highest among the groups gnomAD compares: African/African-American, 0.0093%; no homozygotes.

Submissions (7):

Ambry Genetics
Classification: Uncertain significance for Cardiovascular phenotype. Last evaluated: 2026-02-27. Review status: criteria provided, single submitter. Criteria: Ambry Variant Classification Scheme 2023. Collection method: clinical testing. Allele origin: germline.
Comment: The c.3660T>A (p.D1220E) alteration is located in exon 30 (coding exon 30) of the RYR2 gene. This alteration results from a T to A substitution at nucleotide position 3660, causing the aspartic acid (D) at amino acid position 1220 to be replaced by a glutamic acid (E). Based on data from gnomAD, the A allele has an overall frequency of <0.001% (1/280476) total alleles studied. The highest observed frequency was 0.004% (1/24196) of African alleles. Based on insufficient or conflicting evidence, the clinical significance of this alteration remains unclear.

Labcorp Genetics (formerly Invitae), Labcorp
Classification: Likely benign for Catecholaminergic polymorphic ventricular tachycardia 1. Last evaluated: 2025-11-28. Review status: criteria provided, single submitter. Criteria: Invitae Variant Classification Sherloc (09022015). Collection method: clinical testing. Allele origin: germline.

Color Diagnostics, LLC DBA Color Health
Classification: Uncertain significance for Cardiomyopathy. Last evaluated: 2025-05-12. Review status: criteria provided, single submitter. Criteria: ACMG Guidelines, 2015. Collection method: clinical testing. Allele origin: germline.
Comment: This missense variant replaces aspartic acid with glutamic acid at codon 1220 of the RYR2 protein. Computational prediction suggests that this variant may not impact protein structure and function. To our knowledge, functional studies have not been reported for this variant. This variant has been reported in a consanguineous family affected with sudden cardiac death (PMID: 31970460). This variant has not been identified in the general population by the Genome Aggregation Database (gnomAD). The available evidence is insufficient to determine the role of this variant in disease conclusively. Therefore, this variant is classified as a Variant of Uncertain Significance.

All of Us Research Program, National Institutes of Health
Classification: Uncertain significance for Catecholaminergic polymorphic ventricular tachycardia. Last evaluated: 2023-08-15. Review status: criteria provided, single submitter. Criteria: ACMG Guidelines, 2015. Collection method: clinical testing. Allele origin: germline. Inheritance: Autosomal dominant inheritance. Observed: 1 variant allele, 1 heterozygote.
Comment: This study involves interpretation of variants in research participants for the purpose of population health screening. Participant phenotype was not available at the time of variant classification. Additional details can be found in publication PMID: 35346344, PMCID: PMC8962531

Blueprint Genetics
Classification: Likely benign. Last evaluated: 2023-03-27. Review status: criteria provided, single submitter. Criteria: ACMG Guidelines, 2015. Collection method: clinical testing. Allele origin: germline.

GeneDx
Classification: Uncertain significance. Last evaluated: 2019-09-24. Review status: criteria provided, single submitter. Criteria: GeneDx Variant Classification Process June 2021. Collection method: clinical testing. Allele origin: germline. Affected: yes.
Comment: Has not been previously published as pathogenic or benign to our knowledge; Reported in ClinVar (ClinVar Variant ID# 532332; Landrum et al., 2016); Not observed at a significant frequency in large population cohorts (Lek et al., 2016); In silico analysis, which includes protein predictors and evolutionary conservation, supports that this variant does not alter protein structure/function; Not located in one of the three hot-spot regions of the RYR2 gene, where the majority of pathogenic missense variants occur (Medeiros-Domingo et al., 2009)

Fulgent Genetics
Classification: Uncertain significance for Catecholaminergic polymorphic ventricular tachycardia 1. Last evaluated: 2018-10-31. Review status: criteria provided, single submitter. Criteria: ACMG Guidelines, 2015. Collection method: clinical testing. Allele origin: unknown.

Literature cited by the submitters: PubMed 31970460 (cited by Color Diagnostics, LLC DBA Color Health).

NM_001035.3(RYR2):c.3660T>A (p.Asp1220Glu)

Gene: RYR2 (ryanodine receptor 2; plus strand). Cytogenetic location: 1q43.
Variant type: single nucleotide variant.
Coding change: c.3660T>A on transcript NM_001035.3 (MANE Select); coding-DNA position 3660, T replaced by A.
Protein change: p.Asp1220Glu; replaces aspartic acid 1220 with glutamic acid.
Molecular consequence: missense variant.
Genome position (GRCh38, 1-based): chr1:237,589,854, T>A. VCF-style: chr1-237589854-T-A. GRCh37 (hg19) VCF-style: chr1-237753154-T-A.
Other names: c.3660T>A, p.Asp1220Glu (LRG_402t1); short protein forms D1220E.
Identifiers: ClinVar variation 532332 (VCV000532332.20), dbSNP rs1019112544, ClinGen allele CA39802038.
Genomic context (GRCh38, chr1:237,589,854, plus strand): 5'-ATTCATACCTGTGTGTAGCCTTGGAGTGGCTCAAGTGGGTAGGATGAACTTTGGAAAGGA[T>A]GTCAGCACCTTGAAATATTTCACCATCTGTGGCTTACAAGAGGGCTATGAACCATTTGCC-3'
Protein context (NP_001026.2, residues 1210-1230): AQVGRMNFGK[Asp1220Glu]VSTLKYFTIC